The following is an entry in ClinVar:

ClinVar aggregate classification (germline): Likely benign. Review status: criteria provided, multiple submitters, no conflicts (2 of 4 stars). 2 submissions from 2 submitters: Likely benign (2). Last evaluated 2018-07-15.

Conditions:
SRD5A3-congenital disorder of glycosylation. Also called: Congenital disorder of glycosylation type 1Q; SRD5A3-CDG; COLOBOMA, OCULAR, WITH ICHTHYOSIS, BRAIN MALFORMATIONS, AND ENDOCRINE ABNORMALITIES; CDG Iq; Ocular colobomas, ichthyosis, brain malformations and endocrine abnormalities. Identifiers: Orphanet 324737, MedGen C4317224, MONDO:0012885, OMIM 612379.

Allele frequency attached by ClinVar (database versions not stated): 1000 Genomes Project 0.01298; 1000 Genomes Project 30x 0.01359; TOPMed 0.02135; gnomAD 0.02281 and 0.02343; gnomAD exomes 0.02528.
gnomAD v4.1: 11,439 of 467,250 alleles (2.4%); highest among the groups gnomAD compares: Non-Finnish European, 3.4%; 211 homozygotes.

Submissions (2):

GeneDx
Classification: Likely benign. Last evaluated: 2018-07-15. Review status: criteria provided, single submitter. Criteria: GeneDx Variant Classification Process June 2021. Collection method: clinical testing. Allele origin: germline. Affected: yes.

Illumina Laboratory Services, Illumina
Classification: Likely benign for SRD5A3-congenital disorder of glycosylation. Last evaluated: 2018-01-13. Review status: criteria provided, single submitter. Criteria: ICSL Variant Classification Criteria 13 December 2019. Collection method: clinical testing. Allele origin: germline.
Comment: This variant was observed in the ICSL laboratory as part of a predisposition screen in an ostensibly healthy population. It had not been previously curated by ICSL or reported in the Human Gene Mutation Database (HGMD: prior to June 1st, 2018), and was therefore a candidate for classification through an automated scoring system. Utilizing variant allele frequency, disease prevalence and penetrance estimates, and inheritance mode, an automated score was calculated to assess if this variant is too frequent to cause the disease. Based on the score and internal cut-off values, a variant classified as likely benign is not then subjected to further curation. The score for this variant resulted in a classification of likely benign for this disease.

NM_024592.5(SRD5A3):c.*275G>T

Genes: SRD5A3 (steroid 5 alpha-reductase 3; plus strand), SRD5A3-AS1 (SRD5A3 antisense RNA 1; minus strand). Cytogenetic location: 4q12.
Variant type: single nucleotide variant.
Coding change: c.*275G>T on transcript NM_024592.5 (MANE Select); 275 bases downstream of the stop codon, G replaced by T.
Molecular consequence: 3 prime UTR variant.
Genome position (GRCh38, 1-based): chr4:55,370,366, G>T. VCF-style: chr4-55370366-G-T. GRCh37 (hg19) VCF-style: chr4-56236533-G-T.
Identifiers: ClinVar variation 900821 (VCV000900821.7), dbSNP rs145768388, ClinGen allele CA97481824.